The following is an entry in ClinVar:

NM_014846.4(WASHC5):c.2909G>A (p.Arg970Gln)

Gene: WASHC5 (WASH complex subunit 5; minus strand). Cytogenetic location: 8q24.13.
Variant type: single nucleotide variant.
Coding change: c.2909G>A on transcript NM_014846.4 (MANE Select); coding-DNA position 2909, G replaced by A.
Protein change: p.Arg970Gln; replaces arginine 970 with glutamine.
Molecular consequence: missense variant.
Genome position (GRCh38, 1-based): chr8:125,039,840, C>T on the plus strand (G>A on the coding strand, the complement: WASHC5 is on the minus strand). VCF-style: chr8-125039840-C-T. GRCh37 (hg19) VCF-style: chr8-126052082-C-T.
Other names: c.2465G>A, p.Arg822Gln (NM_001330609.2); short protein forms R822Q, R970Q.
Identifiers: ClinVar variation 3239230 (VCV003239230.20), dbSNP rs755858522.

ClinVar aggregate classification (germline): Uncertain significance. Review status: criteria provided, multiple submitters, no conflicts (2 of 4 stars). 2 submissions from 2 submitters: Uncertain significance (2). Last evaluated 2025-09-21.

Conditions:
Ritscher-Schinzel syndrome. Also called: CRANIOCEREBELLOCARDIAC DYSPLASIA. Identifiers: Orphanet 7, MedGen C0796137, MONDO:0019078.
Hereditary spastic paraplegia 8 (SPG8). Also called: SPASTIC PARAPLEGIA 8, AUTOSOMAL DOMINANT. Identifiers: Orphanet 100989, MedGen C1863704, MONDO:0011339, OMIM 603563.

Allele frequency attached by ClinVar (database versions not stated): gnomAD 0.00001; ExAC 0.00002; gnomAD exomes 0.00002.
gnomAD v4.1: 33 of 1,613,816 alleles (0.002%); highest among the groups gnomAD compares: East Asian, 0.0022%; no homozygotes.

Submissions (2):

Labcorp Genetics (formerly Invitae), Labcorp
Classification: Uncertain significance for Ritscher-Schinzel syndrome; Hereditary spastic paraplegia 8. Last evaluated: 2025-09-21. Review status: criteria provided, single submitter. Criteria: Invitae Variant Classification Sherloc (09022015). Collection method: clinical testing. Allele origin: germline.
Comment: This sequence change replaces arginine, which is basic and polar, with glutamine, which is neutral and polar, at codon 970 of the WASHC5 protein (p.Arg970Gln). This variant is present in population databases (rs755858522, gnomAD 0.006%). This variant has not been reported in the literature in individuals affected with WASHC5-related conditions. ClinVar contains an entry for this variant (Variation ID: 3239230). Invitae Evidence Modeling of protein sequence and biophysical properties (such as structural, functional, and spatial information, amino acid conservation, physicochemical variation, residue mobility, and thermodynamic stability) indicates that this missense variant is not expected to disrupt WASHC5 protein function with a negative predictive value of 80%. In summary, the available evidence is currently insufficient to determine the role of this variant in disease. Therefore, it has been classified as a Variant of Uncertain Significance.

CeGaT Center for Human Genetics Tuebingen
Classification: Uncertain significance. Last evaluated: 2024-05-01. Review status: criteria provided, single submitter. Criteria: CeGaT Center For Human Genetics Tuebingen Variant Classification Criteria Version 2. Collection method: clinical testing. Allele origin: germline. Affected: yes. Observed: 1 variant allele.
Comment: WASHC5: PM2, BP4, BP5